The following is an entry in ClinVar:

ClinVar aggregate classification (germline): Conflicting classifications of pathogenicity. Review status: criteria provided, conflicting classifications (1 of 4 stars). 2 submissions from 2 submitters: Uncertain significance (1); Likely benign (1). Last evaluated 2025-07-27.

Conditions:
Primary ciliary dyskinesia. Also called: Ciliary dyskinesia. Identifiers: Orphanet 244, MedGen C0008780, MONDO:0016575, HP:0012265.

Allele frequency attached by ClinVar (database versions not stated): TOPMed 0.00002; gnomAD 0.00003; ExAC 0.00007; ESP Exome Variant Server 0.00008; gnomAD exomes 0.00008.
gnomAD v4.1: 116 of 1,613,860 alleles (0.0072%); highest among the groups gnomAD compares: East Asian, 0.0089%; no homozygotes.

Submissions (2):

Labcorp Genetics (formerly Invitae), Labcorp
Classification: Likely benign for Primary ciliary dyskinesia. Last evaluated: 2025-07-27. Review status: criteria provided, single submitter. Criteria: Invitae Variant Classification Sherloc (09022015). Collection method: clinical testing. Allele origin: germline.

Ambry Genetics
Classification: Uncertain significance for Primary ciliary dyskinesia. Last evaluated: 2015-06-09. Review status: criteria provided, single submitter. Criteria: Ambry Variant Classification Scheme 2023. Collection method: clinical testing. Allele origin: germline.
Comment: The p.D3236N variant (also known as c.9706G>A), located in coding exon 57 of the DNAH5 gene, results from a G to A substitution at nucleotide position 9706. The aspartic acid at codon 3236 is replaced by asparagine, an amino acid with highly similar properties. This variant was previously reported in the SNPDatabase as rs374206128. Based on data from the NHLBI Exome Sequencing Project (ESP), the A allele has an overall frequency of approximately 0.01% (1/13006) total alleles studied, having been observed in 0.02% (1/4406) African American alleles. This amino acid position is poorly conserved in available vertebrate species. In addition, this alteration is predicted to be tolerated by in silico analysis. Since supporting evidence is limited at this time, the clinical significance of this variant remains unclear.

NM_001369.3(DNAH5):c.9706G>A (p.Asp3236Asn)

Gene: DNAH5 (dynein axonemal heavy chain 5; minus strand). Cytogenetic location: 5p15.2.
Variant type: single nucleotide variant.
Coding change: c.9706G>A on transcript NM_001369.3 (MANE Select); coding-DNA position 9706, G replaced by A.
Protein change: p.Asp3236Asn; replaces aspartic acid 3236 with asparagine.
Molecular consequence: missense variant.
Genome position (GRCh38, 1-based): chr5:13,769,515, C>T on the plus strand (G>A on the coding strand, the complement: DNAH5 is on the minus strand). VCF-style: chr5-13769515-C-T. GRCh37 (hg19) VCF-style: chr5-13769624-C-T.
Other names: short protein forms D3236N.
Identifiers: ClinVar variation 1767925 (VCV001767925.7), dbSNP rs374206128, ClinGen allele CA3202466.